The following is an entry in ClinVar:

ClinVar aggregate classification (germline): Uncertain significance (1 of 4 stars; one submission).

Allele frequency attached by ClinVar (database versions not stated): gnomAD exomes below 0.00001.
gnomAD v4.1: 4 of 1,229,542 alleles (0.00033%); highest among the groups gnomAD compares: African/African-American, 0.0035%; no homozygotes.

Submission:

Labcorp Genetics (formerly Invitae), Labcorp
Classification: Uncertain significance. Last evaluated: 2023-11-20. Review status: criteria provided, single submitter. Criteria: Invitae Variant Classification Sherloc (09022015). Collection method: clinical testing. Allele origin: germline.
Comment: This sequence change replaces proline, which is neutral and non-polar, with serine, which is neutral and polar, at codon 918 of the BRD4 protein (p.Pro918Ser). This variant is not present in population databases (gnomAD no frequency). This variant has not been reported in the literature in individuals affected with BRD4-related conditions. An algorithm developed to predict the effect of missense changes on protein structure and function (PolyPhen-2) suggests that this variant is likely to be disruptive. In summary, the available evidence is currently insufficient to determine the role of this variant in disease. Therefore, it has been classified as a Variant of Uncertain Significance.

NM_001379291.1(BRD4):c.2752C>T (p.Pro918Ser)

Gene: BRD4 (bromodomain containing 4; minus strand). Cytogenetic location: 19p13.12.
Variant type: single nucleotide variant.
Coding change: c.2752C>T on transcript NM_001379291.1 (MANE Select); coding-DNA position 2752, C replaced by T.
Protein change: p.Pro918Ser; replaces proline 918 with serine.
Molecular consequence: missense variant.
Genome position (GRCh38, 1-based): chr19:15,243,317, G>A on the plus strand (C>T on the coding strand, the complement: BRD4 is on the minus strand). VCF-style: chr19-15243317-G-A. GRCh37 (hg19) VCF-style: chr19-15354128-G-A.
Other names: c.2752C>T, p.Pro918Ser (NM_058243.3); short protein forms P918S.
Identifiers: ClinVar variation 2789158 (VCV002789158.3), dbSNP rs1599433378, ClinGen allele CA404505110.
Genomic context (GRCh38, chr19:15,243,317, plus strand): 5'-CCTTCTGCAGCTGCTGCAGGTACAGCTGCATCTGCATGGAGGTGAGGGGTGGGGCAGGTG[G>A]CTCTTCATCCTCCAGCAGCACTTGGGGGGGTTGGGCCATGGGGGGCTGTGGGAGCAGGGG-3'
Protein context (NP_001366220.1, residues 908-928): PPQVLLEDEE[Pro918Ser]PAPPLTSMQM